The following is an entry in ClinVar:

NM_006506.5(RASA2):c.2017-15T>A

Gene: RASA2 (RAS p21 protein activator 2; plus strand). Cytogenetic location: 3q23.
Variant type: single nucleotide variant.
Coding change: c.2017-15T>A on transcript NM_006506.5 (MANE Select); 15 bases into the intron before coding-DNA position 2017, T replaced by A.
Molecular consequence: intron variant.
Genome position (GRCh38, 1-based): chr3:141,608,474, T>A. VCF-style: chr3-141608474-T-A. GRCh37 (hg19) VCF-style: chr3-141327316-T-A.
Other names: c.2020-15T>A (NM_001303245.3); c.2029-15T>A (NM_001303246.3).
Identifiers: ClinVar variation 2057755 (VCV002057755.4), dbSNP rs750849880, ClinGen allele CA2645726.
Genomic context (GRCh38, chr3:141,608,474, plus strand): 5'-CTTTTCTTCTGTTTTGTACTGTGTGTTGGTTTTTGGACTCTTGTCACTAACTTTTTATCT[T>A]AATTGCCTATGAAGATGTTCCAAGTAATACATACGGAGAAACCACTCTATGTCCAGGCAA-3'

ClinVar aggregate classification (germline): Uncertain significance (1 of 4 stars; one submission).

Allele frequency attached by ClinVar (database versions not stated): ExAC 0.00001; gnomAD exomes 0.00002; TOPMed 0.00002.
gnomAD v4.1: 25 of 1,611,170 alleles (0.0016%); highest among the groups gnomAD compares: Non-Finnish European, 0.002%; no homozygotes.

Submission:

Labcorp Genetics (formerly Invitae), Labcorp
Classification: Uncertain significance. Last evaluated: 2025-12-09. Review status: criteria provided, single submitter. Criteria: Invitae Variant Classification Sherloc (09022015). Collection method: clinical testing. Allele origin: germline.
Comment: This sequence change falls in intron 20 of the RASA2 gene. It does not directly change the encoded amino acid sequence of the RASA2 protein. This variant is present in population databases (rs750849880, gnomAD 0.003%). This variant has not been reported in the literature in individuals affected with RASA2-related conditions. ClinVar contains an entry for this variant (Variation ID: 2057755). Algorithms developed to predict the effect of sequence changes on RNA splicing suggest that this variant may disrupt the consensus splice site. In summary, the available evidence is currently insufficient to determine the role of this variant in disease. Therefore, it has been classified as a Variant of Uncertain Significance.